The following is an entry in ClinVar:

ClinVar aggregate classification (germline): Pathogenic. Review status: criteria provided, multiple submitters, no conflicts (2 of 4 stars). 2 submissions from 2 submitters: Pathogenic (2). Last evaluated 2026-11-24.

Conditions:
Familial renal glucosuria (GLYS). Also called: RENAL GLUCOSURIA, AUTOSOMAL DOMINANT; Familial renal glycosuria. Identifiers: Orphanet 69076, MedGen C3245525, MONDO:0009297, OMIM 233100.
Maturity-onset diabetes of the young type 3. Also called: MODY type 3; MODY, type III. Identifiers: Orphanet 552, MedGen C1838100, MeSH C563933, MONDO:0010894, OMIM 600496. Disease mechanism: loss of function.

gnomAD v4.1: 5 of 1,613,596 alleles (0.00031%); highest among the groups gnomAD compares: Middle Eastern, 0.033%; no homozygotes.

Submissions (2):

Clinical Genetics Laboratory, Skane University Hospital Lund
Classification: Pathogenic for Maturity-onset diabetes of the young type 3. Last evaluated: 2026-11-24. Review status: criteria provided, single submitter. Criteria: ACMG Guidelines, 2015. Collection method: clinical testing. Allele origin: germline. Affected: yes. Observed: 1 variant allele.

MVZ Medizinische Genetik Mainz
Classification: Pathogenic for Familial renal glucosuria. Last evaluated: 2025-02-28. Review status: criteria provided, single submitter. Criteria: UK Practice Guidelines For Variant Classification V4 01 2020. Collection method: clinical testing. Allele origin: germline. Inheritance: Autosomal recessive inheritance. Affected: yes. Observed: 1 variant allele.
Comment: ACMG Criteria: PVS1,PM3,PM2_SUP,PP4

NM_003041.4(SLC5A2):c.384C>G (p.Tyr128Ter)

Gene: SLC5A2 (solute carrier family 5 member 2; plus strand). Cytogenetic location: 16p11.2.
Variant type: single nucleotide variant.
Coding change: c.384C>G on transcript NM_003041.4 (MANE Select); coding-DNA position 384, C replaced by G.
Protein change: p.Tyr128Ter; replaces tyrosine 128 with a stop codon.
Molecular consequence: nonsense. On other transcripts: non-coding transcript variant (1).
Genome position (GRCh38, 1-based): chr16:31,485,809, C>G. VCF-style: chr16-31485809-C-G. GRCh37 (hg19) VCF-style: chr16-31497130-C-G.
Other names: short protein forms Y128*.
Identifiers: ClinVar variation 4857262 (VCV004857262.2).